The following is an entry in ClinVar:

NM_001394062.1(MACF1):c.19217G>A (p.Arg6406His)

Gene: MACF1 (microtubule actin crosslinking factor 1; plus strand). Cytogenetic location: 1p34.3.
Variant type: single nucleotide variant.
Coding change: c.19217G>A on transcript NM_001394062.1 (MANE Select); coding-DNA position 19217, G replaced by A.
Protein change: p.Arg6406His; replaces arginine 6406 with histidine.
Molecular consequence: missense variant.
Genome position (GRCh38, 1-based): chr1:39,442,826, G>A. VCF-style: chr1-39442826-G-A. GRCh37 (hg19) VCF-style: chr1-39908498-G-A.
Other names: c.7295G>A, p.Arg2432His (NM_001397473.1); c.13040G>A, p.Arg4347His (NM_012090.5); short protein forms R2432H, R4347H, R6406H.
Identifiers: ClinVar variation 2174533 (VCV002174533.4), dbSNP rs779887669, ClinGen allele CA784070.
Genomic context (GRCh38, chr1:39,442,826, plus strand): 5'-AAGCTGGCAATGAGCTTCTTGAATCCAGTGCTGGAGATGATGCCAGCAGCTTAAGGAGCC[G>A]TTTGGAAGCCATGAACCAATGCTGGGAGTCAGTGTTACAGAAAACAGAGGAGAGGGAGCA-3'
Protein context (NP_001380991.1, residues 6396-6416): AGDDASSLRS[Arg6406His]LEAMNQCWES

ClinVar aggregate classification (germline): Uncertain significance (1 of 4 stars; one submission).

Allele frequency attached by ClinVar (database versions not stated): gnomAD 0.00001; TOPMed 0.00002; ExAC 0.00003.
gnomAD v4.1: 22 of 1,614,002 alleles (0.0014%); highest among the groups gnomAD compares: Admixed American, 0.0017%; no homozygotes.

Submission:

Labcorp Genetics (formerly Invitae), Labcorp
Classification: Uncertain significance. Last evaluated: 2022-04-29. Review status: criteria provided, single submitter. Criteria: Invitae Variant Classification Sherloc (09022015). Collection method: clinical testing. Allele origin: germline.
Comment: This variant is present in population databases (rs779887669, gnomAD 0.004%). In summary, the available evidence is currently insufficient to determine the role of this variant in disease. Therefore, it has been classified as a Variant of Uncertain Significance. Algorithms developed to predict the effect of missense changes on protein structure and function are either unavailable or do not agree on the potential impact of this missense change (SIFT: "Deleterious"; PolyPhen-2: "Probably Damaging"; Align-GVGD: "Class C0"). This variant has not been reported in the literature in individuals affected with MACF1-related conditions. This sequence change replaces arginine, which is basic and polar, with histidine, which is basic and polar, at codon 4347 of the MACF1 protein (p.Arg4347His).